The following is an entry in ClinVar:

NM_014714.4(IFT140):c.2572A>G (p.Met858Val)

Gene: IFT140 (intraflagellar transport 140; minus strand). Cytogenetic location: 16p13.3.
Variant type: single nucleotide variant.
Coding change: c.2572A>G on transcript NM_014714.4 (MANE Select); coding-DNA position 2572, A replaced by G.
Protein change: p.Met858Val; replaces methionine 858 with valine.
Molecular consequence: missense variant.
Genome position (GRCh38, 1-based): chr16:1,526,624, T>C on the plus strand (A>G on the coding strand, the complement: IFT140 is on the minus strand). VCF-style: chr16-1526624-T-C. GRCh37 (hg19) VCF-style: chr16-1576625-T-C.
Other names: short protein forms M858V.
Identifiers: ClinVar variation 5009907 (VCV005009907.1).

ClinVar aggregate classification (germline): Uncertain significance (1 of 4 stars; one submission).

gnomAD v4.1: 1 of 1,445,884 alleles (0.000069%); highest among the groups gnomAD compares: Admixed American, 0.002%; no homozygotes.

Submission:

GeneDx
Classification: Uncertain significance. Last evaluated: 2026-02-23. Review status: criteria provided, single submitter. Criteria: GeneDx Variant Classification Process June 2021. Collection method: clinical testing. Allele origin: germline.
Comment: Not observed at significant frequency in large population cohorts (gnomAD); In silico analysis supports that this missense variant has a deleterious effect on protein structure/function; Has not been previously published as pathogenic or benign to our knowledge